The following is an entry in ClinVar:

NM_001127222.2(CACNA1A):c.3901G>A (p.Val1301Ile)

Genes: CACNA1A (calcium voltage-gated channel subunit alpha1 A; minus strand), LOC126862865 (CDK7 strongly-dependent group 2 enhancer GRCh37_chr19:13385818-13387017; plus strand). Cytogenetic location: 19p13.13.
Variant type: single nucleotide variant.
Coding change: c.3901G>A on transcript NM_001127222.2 (MANE Select); coding-DNA position 3901, G replaced by A.
Protein change: p.Val1301Ile; replaces valine 1301 with isoleucine.
Molecular consequence: missense variant.
Genome position (GRCh38, 1-based): chr19:13,275,938, C>T on the plus strand (G>A on the coding strand, the complement: CACNA1A is on the minus strand). VCF-style: chr19-13275938-C-T. GRCh37 (hg19) VCF-style: chr19-13386752-C-T.
Other names: c.3904G>A (NM_001127221.1); c.3913G>A, p.Val1305Ile (NM_000068.4, NM_023035.3); c.3904G>A, p.Val1302Ile (NM_001127221.2, NM_001174080.2); short protein forms V1305I, V1301I, V1302I.
Identifiers: ClinVar variation 930351 (VCV000930351.10), dbSNP rs779292782, ClinGen allele CA9240147.

ClinVar aggregate classification (germline): Uncertain significance. Review status: criteria provided, multiple submitters, no conflicts (2 of 4 stars). 4 submissions from 4 submitters: Uncertain significance (4). Last evaluated 2026-08-01.

Conditions:
Episodic ataxia type 2 (EA2). Also called: ACETAZOLAMIDE-RESPONSIVE HEREDITARY PAROXYSMAL CEREBELLAR ATAXIA; ATAXIA, EPISODIC, WITH NYSTAGMUS; ATAXIA, FAMILIAL PAROXYSMAL; CEREBELLAR ATAXIA, PAROXYSMAL, ACETAZOLAMIDE-RESPONSIVE; CEREBELLOPATHY, HEREDITARY PAROXYSMAL; EPISODIC ATAXIA, NYSTAGMUS-ASSOCIATED. Identifiers: Orphanet 97, MedGen C1720416, MONDO:0007163, OMIM 108500.
Developmental and epileptic encephalopathy, 42 (DEE42A). Also called: DEVELOPMENTAL AND EPILEPTIC ENCEPHALOPATHY 42A; EPILEPTIC ENCEPHALOPATHY, EARLY INFANTILE, 42A; Epileptic encephalopathy, early infantile, 42. Identifiers: MedGen C4310716, MONDO:0014917, OMIM 617106.
Migraine, familial hemiplegic, 1. Also called: MIGRAINE, FAMILIAL HEMIPLEGIC 1, WITH PROGRESSIVE CEREBELLAR ATAXIA. Identifiers: Orphanet 569, MedGen C1832884, MONDO:0020756, OMIM 141500, MONDO:0007714.

Allele frequency attached by ClinVar (database versions not stated): gnomAD exomes below 0.00001 and 0.00001; TOPMed below 0.00001; ExAC 0.00001.
gnomAD v4.1: 11 of 1,613,288 alleles (0.00068%); highest among the groups gnomAD compares: East Asian, 0.0022%; no homozygotes.

Submissions (4):

CeGaT Center for Human Genetics Tuebingen
Classification: Uncertain significance. Last evaluated: 2026-08-01. Review status: criteria provided, single submitter. Criteria: CeGaT Center For Human Genetics Tuebingen Variant Classification Criteria Version 2. Collection method: clinical testing. Allele origin: germline. Affected: yes. Observed: 1 variant allele.
Comment: CACNA1A: PM2, PP2

Labcorp Genetics (formerly Invitae), Labcorp
Classification: Uncertain significance for Developmental and epileptic encephalopathy, 42; Episodic ataxia type 2. Last evaluated: 2025-04-29. Review status: criteria provided, single submitter. Criteria: Invitae Variant Classification Sherloc (09022015). Collection method: clinical testing. Allele origin: germline.
Comment: This sequence change replaces valine, which is neutral and non-polar, with isoleucine, which is neutral and non-polar, at codon 1302 of the CACNA1A protein (p.Val1302Ile). This variant is present in population databases (rs779292782, gnomAD 0.002%). This variant has not been reported in the literature in individuals affected with CACNA1A-related conditions. ClinVar contains an entry for this variant (Variation ID: 930351). Invitae Evidence Modeling of protein sequence and biophysical properties (such as structural, functional, and spatial information, amino acid conservation, physicochemical variation, residue mobility, and thermodynamic stability) indicates that this missense variant is not expected to disrupt CACNA1A protein function with a negative predictive value of 95%. In summary, the available evidence is currently insufficient to determine the role of this variant in disease. Therefore, it has been classified as a Variant of Uncertain Significance.

GeneDx
Classification: Uncertain significance. Last evaluated: 2023-01-06. Review status: criteria provided, single submitter. Criteria: GeneDx Variant Classification Process June 2021. Collection method: clinical testing. Allele origin: germline. Affected: yes.
Comment: Not observed at significant frequency in large population cohorts (gnomAD); In silico analysis supports that this missense variant does not alter protein structure/function; Has not been previously published as pathogenic or benign to our knowledge

Centre for Mendelian Genomics, University Medical Centre Ljubljana
Classification: Uncertain significance for Migraine, familial hemiplegic, 1. Last evaluated: 2019-01-30. Review status: criteria provided, single submitter. Criteria: ACMG Guidelines, 2015. Collection method: clinical testing. Allele origin: unknown. Affected: yes.
Comment: This variant was classified as: Uncertain significance. The available evidence on this variant's pathogenicity is insufficient or conflicting. The following ACMG criteria were applied in classifying this variant: BP4.